The following is an entry in ClinVar:

ClinVar aggregate classification (germline): Uncertain significance (1 of 4 stars; one submission).

Conditions:
CHARGE syndrome (CHARGE). Also called: Hittner Hirsch Kreh syndrome; CHARGE ASSOCIATION--COLOBOMA, HEART ANOMALY, CHOANAL ATRESIA, RETARDATION, GENITAL AND EAR ANOMALIES; Coloboma, heart anomaly, choanal atresia, retardation, genital and ear anomalies; CHARGE association; Hall-Hittner syndrome. Identifiers: Orphanet 138, MedGen C0265354, MONDO:0008965.

gnomAD v4.1: 34 of 1,613,786 alleles (0.0021%); highest among the groups gnomAD compares: East Asian, 0.076%; no homozygotes.

Submission:

Labcorp Genetics (formerly Invitae), Labcorp
Classification: Uncertain significance for CHARGE syndrome. Last evaluated: 2024-04-17. Review status: criteria provided, single submitter. Criteria: Invitae Variant Classification Sherloc (09022015). Collection method: clinical testing. Allele origin: germline.
Comment: This sequence change replaces methionine, which is neutral and non-polar, with isoleucine, which is neutral and non-polar, at codon 521 of the SEMA3E protein (p.Met521Ile). This variant is present in population databases (no rsID available, gnomAD 0.01%). This variant has not been reported in the literature in individuals affected with SEMA3E-related conditions. An algorithm developed to predict the effect of missense changes on protein structure and function (PolyPhen-2) suggests that this variant is likely to be tolerated. In summary, the available evidence is currently insufficient to determine the role of this variant in disease. Therefore, it has been classified as a Variant of Uncertain Significance.

NM_012431.3(SEMA3E):c.1563G>C (p.Met521Ile)

Gene: SEMA3E (semaphorin 3E; minus strand). Cytogenetic location: 7q21.11.
Variant type: single nucleotide variant.
Coding change: c.1563G>C on transcript NM_012431.3 (MANE Select); coding-DNA position 1563, G replaced by C.
Protein change: p.Met521Ile; replaces methionine 521 with isoleucine.
Molecular consequence: missense variant.
Genome position (GRCh38, 1-based): chr7:83,392,659, C>G on the plus strand (G>C on the coding strand, the complement: SEMA3E is on the minus strand). VCF-style: chr7-83392659-C-G. GRCh37 (hg19) VCF-style: chr7-83021975-C-G.
Other names: c.1383G>C, p.Met461Ile (NM_001178129.2); short protein forms M461I, M521I.
Identifiers: ClinVar variation 3625751 (VCV003625751.2).